The following is an entry in ClinVar:

NM_001098671.2(RASGRP2):c.706C>T (p.Gln236Ter)

Gene: RASGRP2 (RAS guanyl releasing protein 2; minus strand). Cytogenetic location: 11q13.1.
Variant type: single nucleotide variant.
Coding change: c.706C>T on transcript NM_001098671.2 (MANE Select); coding-DNA position 706, C replaced by T.
Protein change: p.Gln236Ter; replaces glutamine 236 with a stop codon.
Molecular consequence: nonsense.
Genome position (GRCh38, 1-based): chr11:64,739,467, G>A on the plus strand (C>T on the coding strand, the complement: RASGRP2 is on the minus strand). VCF-style: chr11-64739467-G-A. GRCh37 (hg19) VCF-style: chr11-64506939-G-A.
Other names: c.706C>T, p.Gln236Ter (NM_001098670.2, NM_153819.2); c.271C>T, p.Gln91Ter (NM_001318398.2); short protein forms Q236*, Q91*.
Identifiers: ClinVar variation 1679094 (VCV001679094.3), dbSNP rs2135780423, ClinGen allele CA381146135.

ClinVar aggregate classification (germline): Pathogenic (1 of 4 stars; one submission).

Conditions:
Platelet-type bleeding disorder 18 (BDPLT18). Identifiers: Orphanet 420566, MedGen C4014584, MONDO:0014386, OMIM 615888.

Allele frequency attached by ClinVar (database versions not stated): gnomAD exomes below 0.00001.
gnomAD v4.1: 2 of 1,614,188 alleles (0.00012%); highest among the groups gnomAD compares: East Asian, 0.0022%; no homozygotes.

Submission:

ISTH-SSC Genomics in Thrombosis and Hemostasis, KU Leuven, Center for Molecular and Vascular Biology
Classification: Pathogenic for Platelet-type bleeding disorder 18. Review status: criteria provided, single submitter. Criteria: ACMG Guidelines, 2015. Collection method: clinical testing. Allele origin: germline. Affected: yes. Observed: 1 homozygote.
Comment: Submitted to GoldVariant by Jose María Bastida and José Rivera; Grupo Español de Alteraciones Plaquetarias Congénitas (GEAPC)